The following is an entry in ClinVar:

ClinVar aggregate classification (germline): Uncertain significance (1 of 4 stars; one submission).

gnomAD v4.1: 7 of 1,552,706 alleles (0.00045%); highest among the groups gnomAD compares: African/African-American, 0.0014%; no homozygotes.

Submission:

GeneDx
Classification: Uncertain significance. Last evaluated: 2024-10-22. Review status: criteria provided, single submitter. Criteria: GeneDx Variant Classification Process June 2021. Collection method: clinical testing. Allele origin: germline. Affected: yes.
Comment: Not observed at significant frequency in large population cohorts (gnomAD); In silico analysis indicates that this missense variant does not alter protein structure/function; Has not been previously published as pathogenic or benign to our knowledge

NM_012208.4(HARS2):c.59T>G (p.Leu20Arg)

Genes: HARS2 (histidyl-tRNA synthetase 2, mitochondrial; plus strand), LOC119407423 (HARS1 and HARS2 bidirectional promoter region; plus strand). Cytogenetic location: 5q31.3.
Variant type: single nucleotide variant.
Coding change: c.59T>G on transcript NM_012208.4 (MANE Select); coding-DNA position 59, T replaced by G.
Protein change: p.Leu20Arg; replaces leucine 20 with arginine.
Molecular consequence: missense variant. On other transcripts: 5 prime UTR variant (1), intron variant (1).
Genome position (GRCh38, 1-based): chr5:140,691,707, T>G. VCF-style: chr5-140691707-T-G. GRCh37 (hg19) VCF-style: chr5-140071292-T-G.
Other names: c.59T>G, p.Leu20Arg (NM_001278731.2, NM_001363535.2); c.-252T>G (NM_001278732.2); c.-325-88T>G (NM_001363536.2); short protein forms L20R.
Identifiers: ClinVar variation 3893427 (VCV003893427.1).
Genomic context (GRCh38, chr5:140,691,707, plus strand): 5'-CGATGCCCCTGCTCGGACTTCTTCCCAGGAGGGCCTGGGCTTCGCTGCTCAGCCAGCTCC[T>G]GCGACCGCCCTGCGCTTCGTGCACCGGGGCGGTCCGTTGCCAAAGCCAGGTGAGCGAGAC-3'
Protein context (NP_036340.1, residues 10-30): RAWASLLSQL[Leu20Arg]RPPCASCTGA